The following is an entry in ClinVar:

ClinVar aggregate classification (germline): Likely benign. Review status: criteria provided, multiple submitters, no conflicts (2 of 4 stars). 2 submissions from 2 submitters: Likely benign (2). Last evaluated 2026-01-28.

Conditions:
Fetal akinesia deformation sequence 1 (FADS1). Also called: Fetal akinesia sequence; Pena-Shokeir syndrome type I. Identifiers: Orphanet 994, MedGen C1276035, MONDO:0100101, OMIM 208150, HP:0001989.
Congenital myasthenic syndrome 10. Also called: Myasthenia, limb-girdle, familial. Identifiers: Orphanet 590, MedGen C1850792, MONDO:0009690, OMIM 254300.

Allele frequency attached by ClinVar (database versions not stated): gnomAD exomes 0.00009; ExAC 0.00014; TOPMed 0.00014; gnomAD 0.00018 and 0.00019; ESP Exome Variant Server 0.00024.
gnomAD v4.1: 136 of 1,606,062 alleles (0.0085%); highest among the groups gnomAD compares: African/African-American, 0.041%; no homozygotes.

Submissions (2):

Labcorp Genetics (formerly Invitae), Labcorp
Classification: Likely benign for Congenital myasthenic syndrome 10; Fetal akinesia deformation sequence 1. Last evaluated: 2026-01-28. Review status: criteria provided, single submitter. Criteria: Invitae Variant Classification Sherloc (09022015). Collection method: clinical testing. Allele origin: germline.

CeGaT Center for Human Genetics Tuebingen
Classification: Likely benign. Last evaluated: 2022-05-01. Review status: criteria provided, single submitter. Criteria: CeGaT Center For Human Genetics Tuebingen Variant Classification Criteria Version 2. Collection method: clinical testing. Allele origin: germline. Affected: yes. Observed: 1 variant allele.
Comment: DOK7: BP4, BP7

NM_173660.5(DOK7):c.1320C>T (p.Ala440=)

Gene: DOK7 (docking protein 7; plus strand). Cytogenetic location: 4p16.3.
Variant type: single nucleotide variant.
Coding change: c.1320C>T on transcript NM_173660.5 (MANE Select); coding-DNA position 1320, C replaced by T.
Protein change: p.Ala440=; no amino-acid change (alanine 440 retained).
Molecular consequence: synonymous variant. On other transcripts: 3 prime UTR variant (1).
Genome position (GRCh38, 1-based): chr4:3,493,306, C>T. VCF-style: chr4-3493306-C-T. GRCh37 (hg19) VCF-style: chr4-3495033-C-T.
Other names: c.*541C>T (NM_001164673.2); c.390C>T, p.Ala130= (NM_001256896.2); c.1320C>T, p.Ala440= (NM_001301071.2); c.888C>T, p.Ala296= (NM_001363811.2).
Identifiers: ClinVar variation 704033 (VCV000704033.45), dbSNP rs368868378, ClinGen allele CA2829464.